The following is an entry in ClinVar:

ClinVar aggregate classification (germline): Uncertain significance. Review status: criteria provided, multiple submitters, no conflicts (2 of 4 stars). 3 submissions from 3 submitters: Uncertain significance (3). Last evaluated 2026-02-24.

Conditions:
Familial adenomatous polyposis 1 (FAP1). Also called: FAMILIAL ADENOMATOUS POLYPOSIS 1, ATTENUATED; POLYPOSIS, ADENOMATOUS INTESTINAL. Identifiers: MedGen C2713442, MONDO:0021056, OMIM 175100. Disease mechanism: loss of function.
Hereditary cancer-predisposing syndrome. Also called: Neoplastic Syndromes, Hereditary; Tumor predisposition; Hereditary Cancer Syndrome; Hereditary neoplastic syndrome. Identifiers: Orphanet 140162, MedGen C0027672, MeSH D009386, MONDO:0015356.

gnomAD v4.1: 1 of 1,614,020 alleles (0.000062%); highest among the groups gnomAD compares: Non-Finnish European, 0.000085%; no homozygotes.

Submissions (3):

GeneDx
Classification: Uncertain significance. Last evaluated: 2026-02-24. Review status: criteria provided, single submitter. Criteria: GeneDx Variant Classification Process June 2021. Collection method: clinical testing. Allele origin: germline.
Comment: Not observed at significant frequency in large population cohorts (gnomAD); In silico analysis supports that this missense variant has a deleterious effect on protein structure/function; Has not been previously published as pathogenic or benign to our knowledge

Ambry Genetics
Classification: Uncertain significance for Hereditary cancer-predisposing syndrome. Last evaluated: 2025-04-25. Review status: criteria provided, single submitter. Criteria: Ambry Variant Classification Scheme 2023. Collection method: clinical testing. Allele origin: germline.
Comment: The p.R382G variant (also known as c.1144A>G), located in coding exon 9 of the APC gene, results from an A to G substitution at nucleotide position 1144. The arginine at codon 382 is replaced by glycine, an amino acid with dissimilar properties. This amino acid position is conserved. In addition, in silico predictors for this gene do not accurately predict pathogenicity. Based on the available evidence, the clinical significance of this variant remains unclear.

Labcorp Genetics (formerly Invitae), Labcorp
Classification: Uncertain significance for Familial adenomatous polyposis 1. Last evaluated: 2024-12-23. Review status: criteria provided, single submitter. Criteria: Invitae Variant Classification Sherloc (09022015). Collection method: clinical testing. Allele origin: germline.
Comment: This sequence change replaces arginine, which is basic and polar, with glycine, which is neutral and non-polar, at codon 382 of the APC protein (p.Arg382Gly). This variant is not present in population databases (gnomAD no frequency). This variant has not been reported in the literature in individuals affected with APC-related conditions. Invitae Evidence Modeling of protein sequence and biophysical properties (such as structural, functional, and spatial information, amino acid conservation, physicochemical variation, residue mobility, and thermodynamic stability) indicates that this missense variant is not expected to disrupt APC protein function with a negative predictive value of 95%. In summary, the available evidence is currently insufficient to determine the role of this variant in disease. Therefore, it has been classified as a Variant of Uncertain Significance.

NM_000038.6(APC):c.1144A>G (p.Arg382Gly)

Gene: APC (APC regulator of Wnt signaling pathway; plus strand). Cytogenetic location: 5q22.2.
Variant type: single nucleotide variant.
Coding change: c.1144A>G on transcript NM_000038.6 (MANE Select); coding-DNA position 1144, A replaced by G.
Protein change: p.Arg382Gly; replaces arginine 382 with glycine.
Molecular consequence: missense variant. On other transcripts: non-coding transcript variant (2), intron variant (15).
Genome position (GRCh38, 1-based): chr5:112,819,176, A>G. VCF-style: chr5-112819176-A-G. GRCh37 (hg19) VCF-style: chr5-112154873-A-G.
Other names: c.1144A>G (NM_000038.5); c.1144A>G, p.Arg382Gly (NM_001127510.3, NM_001354895.2, NM_001354896.2 and 4 more transcripts); c.1090A>G, p.Arg364Gly (NM_001127511.3); c.1174A>G, p.Arg392Gly (NM_001354897.2, NM_001407446.1); c.1069A>G, p.Arg357Gly (NM_001354898.2, NM_001407451.1); c.1060A>G, p.Arg354Gly (NM_001354899.2, NM_001407452.1); c.967A>G, p.Arg323Gly (NM_001354900.2, NM_001354901.2, NM_001407453.1); c.295A>G, p.Arg99Gly (NM_001354906.2, NM_001407470.1); and 6 more; short protein forms R392G, R99G, R323G, R364G, R357G, R382G, R354G.
Identifiers: ClinVar variation 3700654 (VCV003700654.4).